The following is an entry in ClinVar:

NM_004655.4(AXIN2):c.2286dup (p.Glu763Ter)

Gene: AXIN2 (axin 2; minus strand). Cytogenetic location: 17q24.1.
Variant type: Duplication.
Coding change: c.2286dup on transcript NM_004655.4 (MANE Select); coding-DNA position 2286, one base duplicated (T; older notation c.2286dupT).
Protein change: p.Glu763Ter; replaces glutamic acid 763 with a stop codon.
Molecular consequence: nonsense. On other transcripts: frameshift variant (1).
Genome position (GRCh38, 1-based): chr17:65,534,031, A duplicated on the plus strand (T on the coding strand, the reverse complement: AXIN2 is on the minus strand). VCF-style (leftmost placement, unchanged base first): chr17-65534030-C-CA. GRCh37 (hg19) VCF-style: chr17-63530148-C-CA.
Other names: c.2091dup, p.Glu698Ter (NM_001363813.1); c.2286dupT (NM_004655.3); short protein forms E698*, E763*.
Identifiers: ClinVar variation 4619588 (VCV004619588.1).

ClinVar aggregate classification (germline): Pathogenic (1 of 4 stars; one submission).

Conditions:
Hereditary cancer-predisposing syndrome. Also called: Neoplastic Syndromes, Hereditary; Tumor predisposition; Hereditary Cancer Syndrome; Hereditary neoplastic syndrome. Identifiers: Orphanet 140162, MedGen C0027672, MeSH D009386, MONDO:0015356.

Submission:

Ambry Genetics
Classification: Pathogenic for Hereditary cancer-predisposing syndrome. Last evaluated: 2025-10-02. Review status: criteria provided, single submitter. Criteria: Ambry Variant Classification Scheme 2023. Collection method: clinical testing. Allele origin: germline.
Comment: The c.2286dupT pathogenic mutation, located in coding exon 9 of the AXIN2 gene, results from a duplication of T at nucleotide position 2286, causing a translational frameshift with a predicted alternate stop codon (p.E763*). This variant is considered to be rare based on population cohorts in the Genome Aggregation Database (gnomAD). This alteration is expected to result in loss of function by premature protein truncation or nonsense-mediated mRNA decay. As such, this alteration is interpreted as a disease-causing mutation.